The following is an entry in ClinVar:

ClinVar aggregate classification (germline): Likely benign. Review status: criteria provided, multiple submitters, no conflicts (2 of 4 stars). 2 submissions from 2 submitters: Likely benign (2). Last evaluated 2025-10-14.

Conditions:
Combined immunodeficiency due to ZAP70 deficiency (IMD48). Also called: ZAP70 Deficiency; Immunodeficiency 48. Identifiers: Orphanet 911, MedGen C2931299, MONDO:0010023, OMIM 269840.

Allele frequency attached by ClinVar (database versions not stated): ExAC 0.00001; gnomAD 0.00001; TOPMed 0.00001.
gnomAD v4.1: 15 of 1,613,956 alleles (0.00093%); highest among the groups gnomAD compares: East Asian, 0.0045%; no homozygotes.

Submissions (2):

Labcorp Genetics (formerly Invitae), Labcorp
Classification: Likely benign for Combined immunodeficiency due to ZAP70 deficiency. Last evaluated: 2025-10-14. Review status: criteria provided, single submitter. Criteria: Invitae Variant Classification Sherloc (09022015). Collection method: clinical testing. Allele origin: germline.

CeGaT Center for Human Genetics Tuebingen
Classification: Likely benign. Last evaluated: 2023-02-01. Review status: criteria provided, single submitter. Criteria: CeGaT Center For Human Genetics Tuebingen Variant Classification Criteria Version 2. Collection method: clinical testing. Allele origin: germline. Affected: yes. Observed: 1 variant allele.
Comment: ZAP70: BP4, BP7

NM_001079.4(ZAP70):c.1317C>T (p.Ala439=)

Gene: ZAP70 (zeta chain of T cell receptor associated protein kinase 70; plus strand). Cytogenetic location: 2q11.2.
Variant type: single nucleotide variant.
Coding change: c.1317C>T on transcript NM_001079.4 (MANE Select); coding-DNA position 1317, C replaced by T.
Protein change: p.Ala439=; no amino-acid change (alanine 439 retained).
Molecular consequence: synonymous variant.
Genome position (GRCh38, 1-based): chr2:97,737,500, C>T. VCF-style: chr2-97737500-C-T. GRCh37 (hg19) VCF-style: chr2-98353963-C-T.
Other names: c.1317C>T, p.Ala439= (NM_001378594.1); c.396C>T, p.Ala132= (NM_207519.2).
Identifiers: ClinVar variation 2651172 (VCV002651172.27), dbSNP rs771007414, ClinGen allele CA1790441.